The following is an entry in ClinVar:

ClinVar aggregate classification (germline): Likely benign (1 of 4 stars; one submission).

Submission:

CeGaT Center for Human Genetics Tuebingen
Classification: Likely benign. Last evaluated: 2023-04-01. Review status: criteria provided, single submitter. Criteria: CeGaT Center For Human Genetics Tuebingen Variant Classification Criteria Version 2. Collection method: clinical testing. Allele origin: germline. Affected: yes. Observed: 1 variant allele.
Comment: MUC4: BS2

NM_018406.7(MUC4):c.12097_12144del (p.Val4033_Pro4048del)

Genes: MUC4 (mucin 4, cell surface associated), LOC126806930 (BRD4-independent group 4 enhancer GRCh37_chr3:195505212-195506411). Cytogenetic location: 3q29.
Variant type: Deletion.
Coding change: c.12097_12144del on transcript NM_018406.7 (MANE Select); coding-DNA positions 12097 to 12144, 48 bases deleted.
Protein change: p.Val4033_Pro4048del.
Molecular consequence: inframe deletion. On other transcripts: genic upstream transcript variant (2).
Genome position: GRCh38: chr3:195,779,444-195,779,491. GRCh37 (hg19): chr3:195,506,315-195,506,362.
Other names: c.17407_17454del, p.Asp5803_Thr5818del (NM_001322468.1); c.83-5178_83-5131del (NM_138297.5); c.83-1028_83-981del (NM_004532.6).
Identifiers: ClinVar variation 2654387 (VCV002654387.24), dbSNP rs778284407, ClinGen allele CA2768985.
Genomic context (GRCh38, chr3:195,779,435, plus strand): 5'-TGGTGACATGAAGAGGGGTGGCGTGACCTGTGGATAATGAGGAAGCATTGGTGACAGGAA[GAGGGGTGGTGTCACCTGTGGATGCTGAGGAAGTGCTGGTGACAGGAAC>G]AGGGGTGGCGTGACCTGTGGATGCTGAGGAAGGGCTGGTGACAGGAAGAGGGGTGGCGTG-3'